The following is an entry in ClinVar:

ClinVar aggregate classification (germline): Uncertain significance (1 of 4 stars; one submission).

Conditions:
Inborn genetic diseases. Identifiers: MedGen C0950123, MeSH D030342.

Submission:

Ambry Genetics
Classification: Uncertain significance for Inborn genetic diseases. Last evaluated: 2021-07-13. Review status: criteria provided, single submitter. Criteria: Ambry Variant Classification Scheme 2023. Collection method: clinical testing. Allele origin: germline.
Comment: The p.A346G variant (also known as c.1037C>G), located in coding exon 5 of the PRDM12 gene, results from a C to G substitution at nucleotide position 1037. The alanine at codon 346 is replaced by glycine, an amino acid with similar properties. This amino acid position is conserved. In addition, this alteration is predicted to be tolerated by in silico analysis. Since supporting evidence is limited at this time, the clinical significance of this alteration remains unclear.

NM_021619.3(PRDM12):c.1037C>G (p.Ala346Gly)

Gene: PRDM12 (PR/SET domain 12; plus strand). Cytogenetic location: 9q34.12.
Variant type: single nucleotide variant.
Coding change: c.1037C>G on transcript NM_021619.3 (MANE Select); coding-DNA position 1037, C replaced by G.
Protein change: p.Ala346Gly; replaces alanine 346 with glycine.
Molecular consequence: missense variant.
Genome position (GRCh38, 1-based): chr9:130,681,602, C>G. VCF-style: chr9-130681602-C-G. GRCh37 (hg19) VCF-style: chr9-133556989-C-G.
Other names: short protein forms A346G.
Identifiers: ClinVar variation 1772877 (VCV001772877.2), dbSNP rs1830903199, ClinGen allele CA375245226.